The following is an entry in ClinVar:

NM_003265.3(TLR3):c.441G>A (p.Lys147=)

Gene: TLR3 (toll like receptor 3; plus strand). Cytogenetic location: 4q35.1.
Variant type: single nucleotide variant.
Coding change: c.441G>A on transcript NM_003265.3 (MANE Select); coding-DNA position 441, G replaced by A.
Protein change: p.Lys147=; no amino-acid change (lysine 147 retained).
Molecular consequence: synonymous variant.
Genome position (GRCh38, 1-based): chr4:186,077,060, G>A. VCF-style: chr4-186077060-G-A. GRCh37 (hg19) VCF-style: chr4-186998214-G-A.
Identifiers: ClinVar variation 2802535 (VCV002802535.3), dbSNP rs2478211190, ClinGen allele CA442900393.

ClinVar aggregate classification (germline): Uncertain significance (1 of 4 stars; one submission).

Conditions:
Encephalopathy, acute, infection-induced (herpes-specific), susceptibility to, 1. Also called: Herpes simplex encephalitis, susceptibility to, 1. Identifiers: Orphanet 1930, MedGen C2750180, MONDO:0024563, OMIM 610551.

Submission:

Labcorp Genetics (formerly Invitae), Labcorp
Classification: Uncertain significance for Encephalopathy, acute, infection-induced (herpes-specific), susceptibility to, 1. Last evaluated: 2023-07-27. Review status: criteria provided, single submitter. Criteria: Invitae Variant Classification Sherloc (09022015). Collection method: clinical testing. Allele origin: germline.
Comment: This sequence change affects codon 147 of the TLR3 mRNA. It is a 'silent' change, meaning that it does not change the encoded amino acid sequence of the TLR3 protein. This variant also falls at the last nucleotide of exon 2, which is part of the consensus splice site for this exon. This variant is not present in population databases (gnomAD no frequency). In summary, the available evidence is currently insufficient to determine the role of this variant in disease. Therefore, it has been classified as a Variant of Uncertain Significance. Variants that disrupt the consensus splice site are a relatively common cause of aberrant splicing (PMID: 17576681, 9536098). Algorithms developed to predict the effect of sequence changes on RNA splicing suggest that this variant is not likely to affect RNA splicing. This variant has not been reported in the literature in individuals affected with TLR3-related conditions.

Literature cited by the submitters: PubMed 17576681; PubMed 9536098.